The following is an entry in ClinVar:

ClinVar aggregate classification (germline): Uncertain significance (1 of 4 stars; one submission).

Conditions:
Familial sleep-related hypermotor epilepsy. Also called: Autosomal Dominant Sleep-Related Hypermotor (Hyperkinetic) Epilepsy. Identifiers: Orphanet 98784, MedGen C3696898, MONDO:0000030.

Submission:

Labcorp Genetics (formerly Invitae), Labcorp
Classification: Uncertain significance. Last evaluated: 2020-09-15. Review status: criteria provided, single submitter. Criteria: Invitae Variant Classification Sherloc (09022015). Collection method: clinical testing. Allele origin: germline.
Comment: In summary, the available evidence is currently insufficient to determine the role of this variant in disease. Therefore, it has been classified as a Variant of Uncertain Significance. This sequence change replaces histidine with aspartic acid at codon 137 of the CHRNA4 protein (p.His137Asp). The histidine residue is highly conserved and there is a moderate physicochemical difference between histidine and aspartic acid. This variant is not present in population databases (ExAC no frequency). This variant has not been reported in the literature in individuals with CHRNA4-related conditions. Algorithms developed to predict the effect of missense changes on protein structure and function are either unavailable or do not agree on the potential impact of this missense change (SIFT: "Deleterious"; PolyPhen-2: "Probably Damaging"; Align-GVGD: "Class C15").

NM_000744.7(CHRNA4):c.409C>G (p.His137Asp)

Gene: CHRNA4 (cholinergic receptor nicotinic alpha 4 subunit; minus strand). Cytogenetic location: 20q13.33.
Variant type: single nucleotide variant.
Coding change: c.409C>G on transcript NM_000744.7 (MANE Select); coding-DNA position 409, C replaced by G.
Protein change: p.His137Asp; replaces histidine 137 with aspartic acid.
Molecular consequence: missense variant. On other transcripts: 5 prime UTR variant (1), non-coding transcript variant (1).
Genome position (GRCh38, 1-based): chr20:63,351,002, G>C on the plus strand (C>G on the coding strand, the complement: CHRNA4 is on the minus strand). VCF-style: chr20-63351002-G-C. GRCh37 (hg19) VCF-style: chr20-61982354-G-C.
Other names: c.-120C>G (NM_001256573.2); short protein forms H137D.
Identifiers: ClinVar variation 1005522 (VCV001005522.8), dbSNP rs1326365559, ClinGen allele CA409638840.